The following is an entry in ClinVar:

ClinVar aggregate classification (germline): Pathogenic (1 of 4 stars; one submission).

Conditions:
Retinitis pigmentosa 71 (RP71). Identifiers: Orphanet 791, MedGen C4225342, MONDO:0014618, OMIM 616394.
Short-rib thoracic dysplasia 10 with or without polydactyly (SRTD10). Identifiers: Orphanet 474, MedGen C3810175, MONDO:0014284, OMIM 615630.

Submission:

Labcorp Genetics (formerly Invitae), Labcorp
Classification: Pathogenic for Retinitis pigmentosa 71; Short-rib thoracic dysplasia 10 with or without polydactyly. Last evaluated: 2022-09-27. Review status: criteria provided, single submitter. Criteria: Invitae Variant Classification Sherloc (09022015). Collection method: clinical testing. Allele origin: germline.
Comment: This variant is not present in population databases (gnomAD no frequency). This variant has not been reported in the literature in individuals affected with IFT172-related conditions. For these reasons, this variant has been classified as Pathogenic. This sequence change creates a premature translational stop signal (p.Gln1217Serfs*21) in the IFT172 gene. It is expected to result in an absent or disrupted protein product. Loss-of-function variants in IFT172 are known to be pathogenic (PMID: 24140113).

Literature cited by the submitters: PubMed 24140113.

NM_015662.3(IFT172):c.3648dup (p.Gln1217fs)

Genes: IFT172 (intraflagellar transport 172; minus strand), LOC126806173 (BRD4-independent group 4 enhancer GRCh37_chr2:27676057-27677256; plus strand). Cytogenetic location: 2p23.3.
Variant type: Duplication.
Coding change: c.3648dup on transcript NM_015662.3 (MANE Select); coding-DNA position 3648, one base duplicated (T; older notation c.3648dupT).
Protein change: p.Gln1217fs; shifts the reading frame from glutamine 1217.
Molecular consequence: frameshift variant.
Genome position (GRCh38, 1-based): chr2:27,454,045, A duplicated on the plus strand (T on the coding strand, the reverse complement: IFT172 is on the minus strand); the first of 3 consecutive A bases (chr2:27,454,045-27,454,047); duplicating any one gives the same sequence. VCF-style (leftmost placement, unchanged base first): chr2-27454044-G-GA. GRCh37 (hg19) VCF-style: chr2-27676911-G-GA.
Other names: c.3580dup, p.Gln1195Serfs (NM_001410739.1); short protein forms Q1217fs.
Identifiers: ClinVar variation 2008662 (VCV002008662.4), dbSNP rs2465835863, ClinGen allele CA2580066265.